The following is an entry in ClinVar:

NM_001972.4(ELANE):c.599G>T (p.Gly200Val)

Gene: ELANE (elastase, neutrophil expressed; plus strand). Cytogenetic location: 19p13.3.
Variant type: single nucleotide variant.
Coding change: c.599G>T on transcript NM_001972.4 (MANE Select); coding-DNA position 599, G replaced by T.
Protein change: p.Gly200Val; replaces glycine 200 with valine.
Molecular consequence: missense variant.
Genome position (GRCh38, 1-based): chr19:855,959, G>T. VCF-style: chr19-855959-G-T. GRCh37 (hg19) VCF-style: chr19-855959-G-T.
Other names: short protein forms G200V.
Identifiers: ClinVar variation 4248084 (VCV004248084.1).
Genomic context (GRCh38, chr19:855,959, plus strand): 5'-CGGCGGGCAGGTGGGCAGGGCCTCGCAGTCCAGCTTCCCCACCTTGTCTGCCTCCACAGG[G>T]GGACTCCGGCAGCCCCTTGGTCTGCAACGGGCTAATCCACGGAATTGCCTCCTTCGTCCG-3'
Protein context (NP_001963.1, residues 190-210): VRGRQAGVCF[Gly200Val]DSGSPLVCNG

ClinVar aggregate classification (germline): Uncertain significance (1 of 4 stars; one submission).

Conditions:
Inborn genetic diseases. Identifiers: MedGen C0950123, MeSH D030342.

Submission:

Ambry Genetics
Classification: Uncertain significance for Inborn genetic diseases. Last evaluated: 2025-08-19. Review status: criteria provided, single submitter. Criteria: Ambry Variant Classification Scheme 2023. Collection method: clinical testing. Allele origin: germline.
Comment: The p.G200V variant (also known as c.599G>T), located in coding exon 5 of the ELANE gene, results from a G to T substitution at nucleotide position 599. The glycine at codon 200 is replaced by valine, an amino acid with dissimilar properties. This amino acid position is conserved. In addition, this alteration is predicted to be deleterious by in silico analysis. Based on the available evidence, the clinical significance of this variant remains unclear.